The following is an entry in ClinVar:

NC_000005.9:g.(?_121409688)_(121413680_?)del

Gene: LOX (lysyl oxidase; minus strand). Cytogenetic location: 5q23.2.
Variant type: Deletion.
Identifiers: ClinVar variation 1411838 (VCV001411838.6).

ClinVar aggregate classification (germline): Pathogenic (1 of 4 stars; one submission).

Submission:

Labcorp Genetics (formerly Invitae), Labcorp
Classification: Pathogenic. Last evaluated: 2023-07-27. Review status: criteria provided, single submitter. Criteria: Invitae Variant Classification Sherloc (09022015). Collection method: clinical testing. Allele origin: germline.
Comment: This variant is a gross deletion of the genomic region encompassing exon(s) 1-4 of the LOX gene, which includes the initiator codon. This deletion extends beyond the assayed region for this gene and therefore may encompass additional genes. It is expected to result in an absent or disrupted protein product. Loss-of-function variants in LOX are known to be pathogenic (PMID: 12417550, 26838787, 27432961). A similar copy number variant has been observed in individual(s) with thoracic aortic aneurysm and dissection (Invitae). For these reasons, this variant has been classified as Pathogenic.

Literature cited by the submitters: PubMed 12417550; PubMed 26838787; PubMed 27432961.